The following is an entry in ClinVar:

ClinVar aggregate classification (germline): Benign. Review status: criteria provided, multiple submitters, no conflicts (2 of 4 stars). 2 submissions from 2 submitters: Benign (2). Last evaluated 2018-01-13.

Conditions:
Giant axonal neuropathy 1 (GAN1). Also called: GAN-Related Neurodegeneration; GIANT AXONAL NEUROPATHY 1, AUTOSOMAL RECESSIVE. Identifiers: Orphanet 643, MedGen C1850386, MONDO:0009749, OMIM 256850.

Allele frequency attached by ClinVar (database versions not stated): gnomAD 0.05573 and 0.05804; TOPMed 0.05762; 1000 Genomes Project 0.06070; 1000 Genomes Project 30x 0.06324.

Submissions (2):

Illumina Laboratory Services, Illumina
Classification: Benign for Giant axonal neuropathy 1. Last evaluated: 2018-01-13. Review status: criteria provided, single submitter. Criteria: ICSL Variant Classification Criteria 13 December 2019. Collection method: clinical testing. Allele origin: germline.
Comment: This variant was observed in the ICSL laboratory as part of a predisposition screen in an ostensibly healthy population. It had not been previously curated by ICSL or reported in the Human Gene Mutation Database (HGMD: prior to June 1st, 2018), and was therefore a candidate for classification through an automated scoring system. Utilizing variant allele frequency, disease prevalence and penetrance estimates, and inheritance mode, an automated score was calculated to assess if this variant is too frequent to cause the disease. Based on the score and internal cut-off values, a variant classified as benign is not then subjected to further curation. The score for this variant resulted in a classification of benign for this disease.

Breakthrough Genomics
Classification: Benign. Review status: criteria provided, single submitter. Criteria: ACMG Guidelines, 2015. Collection method: not provided. Allele origin: germline. Inheritance: Autosomal recessive inheritance. Affected: yes.

NM_022041.4(GAN):c.*1817G>C

Gene: GAN (gigaxonin; plus strand). Cytogenetic location: 16q23.2.
Variant type: single nucleotide variant.
Coding change: c.*1817G>C on transcript NM_022041.4 (MANE Select); 1817 bases downstream of the stop codon, G replaced by C.
Molecular consequence: 3 prime UTR variant.
Genome position (GRCh38, 1-based): chr16:81,379,413, G>C. VCF-style: chr16-81379413-G-C. GRCh37 (hg19) VCF-style: chr16-81413018-G-C.
Other names: c.*1817G>C (NM_001377486.1).
Identifiers: ClinVar variation 320700 (VCV000320700.6), dbSNP rs73602873, ClinGen allele CA10638448.